The following is an entry in ClinVar:

NM_001365999.1(SZT2):c.178G>A (p.Val60Ile)

Gene: SZT2 (SZT2 subunit of KICSTOR complex; plus strand). Cytogenetic location: 1p34.2.
Variant type: single nucleotide variant.
Coding change: c.178G>A on transcript NM_001365999.1 (MANE Select); coding-DNA position 178, G replaced by A.
Protein change: p.Val60Ile; replaces valine 60 with isoleucine.
Molecular consequence: missense variant.
Genome position (GRCh38, 1-based): chr1:43,403,625, G>A. VCF-style: chr1-43403625-G-A. GRCh37 (hg19) VCF-style: chr1-43869296-G-A.
Other names: c.178G>A, p.Val60Ile (NM_015284.4); short protein forms V60I.
Identifiers: ClinVar variation 1717539 (VCV001717539.3), dbSNP rs2545766607, ClinGen allele CA339995652.

ClinVar aggregate classification (germline): Uncertain significance (1 of 4 stars; one submission).

Submission:

Labcorp Genetics (formerly Invitae), Labcorp
Classification: Uncertain significance. Last evaluated: 2022-08-22. Review status: criteria provided, single submitter. Criteria: Invitae Variant Classification Sherloc (09022015). Collection method: clinical testing. Allele origin: germline.
Comment: This sequence change replaces valine, which is neutral and non-polar, with isoleucine, which is neutral and non-polar, at codon 60 of the SZT2 protein (p.Val60Ile). This variant is not present in population databases (gnomAD no frequency). This variant has not been reported in the literature in individuals affected with SZT2-related conditions. Algorithms developed to predict the effect of missense changes on protein structure and function are either unavailable or do not agree on the potential impact of this missense change (SIFT: "Deleterious"; PolyPhen-2: "Possibly Damaging"; Align-GVGD: "Class C0"). In summary, the available evidence is currently insufficient to determine the role of this variant in disease. Therefore, it has been classified as a Variant of Uncertain Significance.